The following is an entry in ClinVar:

NM_001365536.1(SCN9A):c.4105G>A (p.Glu1369Lys)

Genes: SCN9A (sodium voltage-gated channel alpha subunit 9; minus strand), SCN1A-AS1 (SCN1A and SCN9A antisense RNA 1; plus strand). Cytogenetic location: 2q24.3.
Variant type: single nucleotide variant.
Coding change: c.4105G>A on transcript NM_001365536.1 (MANE Select); coding-DNA position 4105, G replaced by A.
Protein change: p.Glu1369Lys; replaces glutamic acid 1369 with lysine.
Molecular consequence: missense variant.
Genome position (GRCh38, 1-based): chr2:166,228,792, C>T on the plus strand (G>A on the coding strand, the complement: SCN9A is on the minus strand). VCF-style: chr2-166228792-C-T. GRCh37 (hg19) VCF-style: chr2-167085302-C-T.
Other names: c.4072G>A, p.Glu1358Lys (NM_002977.4); short protein forms E1358K, E1369K.
Identifiers: ClinVar variation 1040681 (VCV001040681.13), dbSNP rs1298235055, ClinGen allele CA349063585.

ClinVar aggregate classification (germline): Uncertain significance. Review status: criteria provided, multiple submitters, no conflicts (2 of 4 stars). 4 submissions from 4 submitters: Uncertain significance (4). Last evaluated 2024-11-14.

Conditions:
Inborn genetic diseases. Identifiers: MedGen C0950123, MeSH D030342.
Neuropathy, hereditary sensory and autonomic, type 2A (HSAN2A). Also called: WNK1-Related HSAN2 (HSAN2A); MORVAN DISEASE; NEUROPATHY, CONGENITAL SENSORY; NEUROPATHY, HEREDITARY SENSORY RADICULAR, AUTOSOMAL RECESSIVE; NEUROPATHY, HEREDITARY SENSORY, TYPE IIA; NEUROPATHY, PROGRESSIVE SENSORY, OF CHILDREN. Identifiers: Orphanet 970, MedGen C2752089, MONDO:0024309, OMIM 201300.
Generalized epilepsy with febrile seizures plus, type 7 (GEFSP7). Also called: GEFS+, TYPE 7. Identifiers: Orphanet 36387, MedGen C2751778, MONDO:0013470, OMIM 613863.

Allele frequency attached by ClinVar (database versions not stated): gnomAD 0.00001; gnomAD exomes 0.00001; TOPMed 0.00002.
gnomAD v4.1: 18 of 1,613,776 alleles (0.0011%); highest among the groups gnomAD compares: East Asian, 0.0045%; no homozygotes.

Submissions (4):

Ambry Genetics
Classification: Uncertain significance for Inborn genetic diseases. Last evaluated: 2024-11-14. Review status: criteria provided, single submitter. Criteria: Ambry Variant Classification Scheme 2023. Collection method: clinical testing. Allele origin: germline.

GeneDx
Classification: Uncertain significance. Last evaluated: 2024-06-13. Review status: criteria provided, single submitter. Criteria: GeneDx Variant Classification Process June 2021. Collection method: clinical testing. Allele origin: germline. Affected: yes.
Comment: In silico analysis indicates that this missense variant does not alter protein structure/function; Has not been previously published as pathogenic or benign to our knowledge

Labcorp Genetics (formerly Invitae), Labcorp
Classification: Uncertain significance for Neuropathy, hereditary sensory and autonomic, type 2A; Generalized epilepsy with febrile seizures plus, type 7. Last evaluated: 2022-11-22. Review status: criteria provided, single submitter. Criteria: Invitae Variant Classification Sherloc (09022015). Collection method: clinical testing. Allele origin: germline.
Comment: In summary, the available evidence is currently insufficient to determine the role of this variant in disease. Therefore, it has been classified as a Variant of Uncertain Significance. Advanced modeling of protein sequence and biophysical properties (such as structural, functional, and spatial information, amino acid conservation, physicochemical variation, residue mobility, and thermodynamic stability) performed at Invitae indicates that this missense variant is not expected to disrupt SCN9A protein function. ClinVar contains an entry for this variant (Variation ID: 1040681). This variant has not been reported in the literature in individuals affected with SCN9A-related conditions. This variant is present in population databases (no rsID available, gnomAD 0.006%). This sequence change replaces glutamic acid, which is acidic and polar, with lysine, which is basic and polar, at codon 1358 of the SCN9A protein (p.Glu1358Lys).

Revvity Omics, Revvity
Classification: Uncertain significance. Last evaluated: 2022-02-03. Review status: criteria provided, single submitter. Criteria: ACMG Guidelines, 2015. Collection method: clinical testing. Allele origin: germline.